The following is an entry in ClinVar:

NM_000051.4(ATM):c.8851-20C>T

Genes: ATM (ATM serine/threonine kinase; plus strand), C11orf65 (chromosome 11 open reading frame 65; minus strand). Cytogenetic location: 11q22.3.
Variant type: single nucleotide variant.
Coding change: c.8851-20C>T on transcript NM_000051.4 (MANE Select); 20 bases into the intron before coding-DNA position 8851, C replaced by T.
Molecular consequence: intron variant.
Genome position (GRCh38, 1-based): chr11:108,365,062, C>T. VCF-style: chr11-108365062-C-T. GRCh37 (hg19) VCF-style: chr11-108235789-C-T.
Other names: c.8851-20C>T (NM_001351834.2); c.640+20858G>A (NM_001330368.2); c.694+20858G>A (NM_001351110.2).
Identifiers: ClinVar variation 2119865 (VCV002119865.5), dbSNP rs2137865874, ClinGen allele CA2580083036.

ClinVar aggregate classification (germline): Likely benign. Review status: criteria provided, multiple submitters, no conflicts (2 of 4 stars). 2 submissions from 2 submitters: Likely benign (2). Last evaluated 2024-06-21.

Conditions:
Ataxia-telangiectasia syndrome (AT). Also called: ATAXIA-TELANGIECTASIA, COMPLEMENTATION GROUP A; ATAXIA-TELANGIECTASIA, FRESNO VARIANT; Ataxia-telangiectasia; Ataxia-telangiectasia, complementation group E; LOUIS-BAR SYNDROME; Cerebello-oculocutaneous telangiectasia. Identifiers: Orphanet 100, MedGen C0004135, MONDO:0008840, OMIM 208900.
Familial cancer of breast. Also called: BREAST CANCER, FAMILIAL; hereditary breast carcinoma; Hereditary breast cancer. Identifiers: Orphanet 227535, MedGen C0346153, MONDO:0016419, OMIM 114480. Disease mechanism: loss of function.

Allele frequency attached by ClinVar (database versions not stated): gnomAD exomes below 0.00001.
gnomAD v4.1: 1 of 1,612,528 alleles (0.000062%); no homozygotes.

Submissions (2):

Myriad Genetics, Inc.
Classification: Likely benign for Familial cancer of breast. Last evaluated: 2024-06-21. Review status: criteria provided, single submitter. Criteria: Myriad Autosomal Dominant, Autosomal Recessive and X-Linked Classification Criteria (2023). Collection method: clinical testing. Allele origin: unknown.
Comment: This variant is considered likely benign. This variant is intronic and is not expected to impact mRNA splicing.

Labcorp Genetics (formerly Invitae), Labcorp
Classification: Likely benign for Ataxia-telangiectasia syndrome. Last evaluated: 2022-03-31. Review status: criteria provided, single submitter. Criteria: Invitae Variant Classification Sherloc (09022015). Collection method: clinical testing. Allele origin: germline.